The following is an entry in ClinVar:

NM_152295.5(TARS1):c.-38G>A

Genes: TARS1 (threonyl-tRNA synthetase 1; plus strand), LOC129993776 (ATAC-STARR-seq lymphoblastoid active region 22454; plus strand). Cytogenetic location: 5p13.3.
Variant type: single nucleotide variant.
Coding change: c.-38G>A on transcript NM_152295.5 (MANE Select); 38 bases upstream of the start codon, G replaced by A.
Molecular consequence: 5 prime UTR variant. On other transcripts: non-coding transcript variant (3).
Genome position (GRCh38, 1-based): chr5:33,441,049, G>A. VCF-style: chr5-33441049-G-A. GRCh37 (hg19) VCF-style: chr5-33441155-G-A.
Other names: c.-38G>A (NM_001258437.1, NM_001258438.2).
Identifiers: ClinVar variation 4083593 (VCV004083593.8).
Genomic context (GRCh38, chr5:33,441,049, plus strand): 5'-GGCCAAGTCCCGGGCGCTAGCCCACCTCCCACCCGCCTCTTGGCTCCTCTCCTCTAGGCC[G>A]TCGCTTTCGGGTTCTCTCATCGCTTCGTCGTTCGCCAATGTTTGAGGAGAAGGCCAGCAG-3'

ClinVar aggregate classification (germline): Benign (1 of 4 stars; one submission).

gnomAD v4.1: 16,798 of 1,614,008 alleles (1%); highest among the groups gnomAD compares: Middle Eastern, 3.3%; 119 homozygotes.

Submission:

CeGaT Center for Human Genetics Tuebingen
Classification: Benign. Last evaluated: 2026-03-01. Review status: criteria provided, single submitter. Criteria: CeGaT Center For Human Genetics Tuebingen Variant Classification Criteria Version 2. Collection method: clinical testing. Allele origin: germline. Affected: yes. Observed: 4 variant alleles.
Comment: TARS1-DT: BS1, BS2